The following is an entry in ClinVar:

NM_000127.3(EXT1):c.641C>T (p.Ala214Val)

Gene: EXT1 (exostosin glycosyltransferase 1; minus strand). Cytogenetic location: 8q24.11.
Variant type: single nucleotide variant.
Coding change: c.641C>T on transcript NM_000127.3 (MANE Select); coding-DNA position 641, C replaced by T.
Protein change: p.Ala214Val; replaces alanine 214 with valine.
Molecular consequence: missense variant.
Genome position (GRCh38, 1-based): chr8:118,110,406, G>A on the plus strand (C>T on the coding strand, the complement: EXT1 is on the minus strand). VCF-style: chr8-118110406-G-A. GRCh37 (hg19) VCF-style: chr8-119122645-G-A.
Other names: short protein forms A214V.
Identifiers: ClinVar variation 3628869 (VCV003628869.2).

ClinVar aggregate classification (germline): Uncertain significance (1 of 4 stars; one submission).

Conditions:
Multiple congenital exostosis (EXT). Also called: Hereditary multiple osteochondromas; Hereditary multiple exostoses; Hereditary multiple exostosis; Multiple osteochondromas; MULTIPLE CARTILAGINOUS EXOSTOSES; Multiple exostoses. Identifiers: Orphanet 321, MedGen C0015306, MONDO:0005508, HP:0002762.

Submission:

Labcorp Genetics (formerly Invitae), Labcorp
Classification: Uncertain significance for Multiple congenital exostosis. Last evaluated: 2024-09-06. Review status: criteria provided, single submitter. Criteria: Invitae Variant Classification Sherloc (09022015). Collection method: clinical testing. Allele origin: germline.
Comment: This sequence change replaces alanine, which is neutral and non-polar, with valine, which is neutral and non-polar, at codon 214 of the EXT1 protein (p.Ala214Val). This variant is not present in population databases (gnomAD no frequency). This variant has not been reported in the literature in individuals affected with EXT1-related conditions. Invitae Evidence Modeling of protein sequence and biophysical properties (such as structural, functional, and spatial information, amino acid conservation, physicochemical variation, residue mobility, and thermodynamic stability) indicates that this missense variant is expected to disrupt EXT1 protein function with a positive predictive value of 80%. In summary, the available evidence is currently insufficient to determine the role of this variant in disease. Therefore, it has been classified as a Variant of Uncertain Significance.